The following is an entry in ClinVar:

ClinVar aggregate classification (germline): Uncertain significance (1 of 4 stars; one submission).

Allele frequency attached by ClinVar (database versions not stated): gnomAD exomes below 0.00001.
gnomAD v4.1: 1 of 1,614,186 alleles (0.000062%); highest among the groups gnomAD compares: Non-Finnish European, 0.000085%; no homozygotes.

Submission:

Labcorp Genetics (formerly Invitae), Labcorp
Classification: Uncertain significance. Last evaluated: 2022-11-08. Review status: criteria provided, single submitter. Criteria: Invitae Variant Classification Sherloc (09022015). Collection method: clinical testing. Allele origin: germline.
Comment: In summary, the available evidence is currently insufficient to determine the role of this variant in disease. Therefore, it has been classified as a Variant of Uncertain Significance. Algorithms developed to predict the effect of sequence changes on RNA splicing suggest that this variant may create or strengthen a splice site. Advanced modeling of protein sequence and biophysical properties (such as structural, functional, and spatial information, amino acid conservation, physicochemical variation, residue mobility, and thermodynamic stability) performed at Invitae indicates that this missense variant is not expected to disrupt STAMBP protein function. This variant has not been reported in the literature in individuals affected with STAMBP-related conditions. This variant is not present in population databases (gnomAD no frequency). This sequence change replaces asparagine, which is neutral and polar, with serine, which is neutral and polar, at codon 28 of the STAMBP protein (p.Asn28Ser).

NM_213622.4(STAMBP):c.83A>G (p.Asn28Ser)

Genes: STAMBP (STAM binding protein; plus strand), LOC126806253 (CDK7 strongly-dependent group 2 enhancer GRCh37_chr2:74057585-74058784; plus strand). Cytogenetic location: 2p13.1.
Variant type: single nucleotide variant.
Coding change: c.83A>G on transcript NM_213622.4 (MANE Select); coding-DNA position 83, A replaced by G.
Protein change: p.Asn28Ser; replaces asparagine 28 with serine.
Molecular consequence: missense variant. On other transcripts: 5 prime UTR variant (5), non-coding transcript variant (4), intron variant (1).
Genome position (GRCh38, 1-based): chr2:73,830,939, A>G. VCF-style: chr2-73830939-A-G. GRCh37 (hg19) VCF-style: chr2-74058066-A-G.
Other names: c.83A>G, p.Asn28Ser (NM_001353970.2, NM_006463.6, NM_201647.4 and 3 more transcripts); c.-471A>G (NM_001353971.2, NM_001353973.2, NM_001353974.2 and 2 more transcripts); c.-203+1943A>G (NM_001353972.2); short protein forms N28S.
Identifiers: ClinVar variation 1719223 (VCV001719223.6), dbSNP rs2466266227, ClinGen allele CA347303459.